The following is an entry in ClinVar:

NM_003482.4(KMT2D):c.1099C>T (p.Pro367Ser)

Gene: KMT2D (lysine methyltransferase 2D; minus strand). Cytogenetic location: 12q13.12.
Variant type: single nucleotide variant.
Coding change: c.1099C>T on transcript NM_003482.4 (MANE Select); coding-DNA position 1099, C replaced by T.
Protein change: p.Pro367Ser; replaces proline 367 with serine.
Molecular consequence: missense variant.
Genome position (GRCh38, 1-based): chr12:49,052,928, G>A on the plus strand (C>T on the coding strand, the complement: KMT2D is on the minus strand). VCF-style: chr12-49052928-G-A. GRCh37 (hg19) VCF-style: chr12-49446711-G-A.
Other names: short protein forms P367S.
Identifiers: ClinVar variation 2637671 (VCV002637671.1), dbSNP rs1305646072, ClinGen allele CA384677645.
Genomic context (GRCh38, chr12:49,052,928, plus strand): 5'-GTTCTTCCAACCTGCCAGCCCAATCTCAGTCAGTCCCCACCACTTACCTGCTACACACCG[G>A]GGTATGCTGCTCAGCAACGGAGCGGATAGTCTGACCTCCCTGGGCTTTGTGACAGCGGTG-3'
Protein context (NP_003473.3, residues 357-377): TIRSVAEQHT[Pro367Ser]VCSRFSPPEP

ClinVar aggregate classification (germline): Uncertain significance (1 of 4 stars; one submission).

Allele frequency attached by ClinVar (database versions not stated): gnomAD exomes below 0.00001; gnomAD 0.00001.
gnomAD v4.1: 2 of 1,613,850 alleles (0.00012%); highest among the groups gnomAD compares: African/African-American, 0.0013%; no homozygotes.

Submission:

Women's Health and Genetics/Laboratory Corporation of America, LabCorp
Classification: Uncertain significance. Last evaluated: 2023-10-11. Review status: criteria provided, single submitter. Criteria: LabCorp Variant Classification Summary - May 2015. Collection method: clinical testing. Allele origin: germline.
Comment: Variant summary: MLL2 c.1099C>T (p.Pro367Ser) results in a non-conservative amino acid change in the encoded protein sequence. Three of four in-silico tools predict a benign effect of the variant on protein function. The variant allele was found at a frequency of 7.1e-06 in 280642 control chromosomes. The available data on variant occurrences in the general population are insufficient to allow any conclusion about variant significance. To our knowledge, no occurrence of c.1099C>T in individuals affected with Kabuki Syndrome 1 and no experimental evidence demonstrating its impact on protein function have been reported. No submitters have cited clinical-significance assessments for this variant to ClinVar after 2014. Based on the evidence outlined above, the variant was classified as uncertain significance.